The following is an entry in ClinVar:

NM_001875.5(CPS1):c.3230del (p.Gly1077fs)

Gene: CPS1 (carbamoyl-phosphate synthase 1; plus strand). Cytogenetic location: 2q34.
Variant type: Deletion.
Coding change: c.3230del on transcript NM_001875.5 (MANE Select); coding-DNA position 3230, one base deleted (G; older notation c.3230delG).
Protein change: p.Gly1077fs; shifts the reading frame from glycine 1077.
Molecular consequence: frameshift variant. On other transcripts: non-coding transcript variant (2).
Genome position (GRCh38, 1-based): chr2:210,647,951, G deleted; the last of 3 consecutive G bases (chr2:210,647,949-210,647,951); deleting any one gives the same sequence. VCF-style (leftmost placement, unchanged base first): chr2-210647948-TG-T. GRCh37 (hg19) VCF-style: chr2-211512672-TG-T.
Other names: c.3230del, p.Gly1077fs (NM_001122633.3, NM_001369257.1); c.3263del, p.Gly1088fs (NM_001369256.1); short protein forms G1077fs, G1088fs.
Identifiers: ClinVar variation 5013142 (VCV005013142.1).
Genomic context (GRCh38, chr2:210,647,948, plus strand): 5'-TTGGAGGCCAGATTCCAAACAACCTGGCAGTTCCTCTATACAAGAATGGTGTCAAGATCA[TG>T]GGCACAAGCCCCCTGCAGATCGACAGGGCTGAGGATCGCTCCATCTTCTCAGCTGTCTTG-3'

ClinVar aggregate classification (germline): Pathogenic (1 of 4 stars; one submission).

Conditions:
Congenital hyperammonemia, type I. Also called: CPS I DEFICIENCY; Carbamoyl phosphate synthetase 1 deficiency; Hyperammonemia due to carbamoyl phosphate synthetase 1 deficiency; CPS 1 deficiency; Carbamyl phosphate synthetase (CPS) deficiency; Carbamoyl phosphate synthetase I deficiency disease. Identifiers: Orphanet 147, MedGen C4082171, MONDO:0009376, OMIM 237300.

Submission:

Myriad Genetics, Inc.
Classification: Pathogenic for Congenital hyperammonemia, type I. Last evaluated: 2024-06-03. Review status: criteria provided, single submitter. Criteria: Myriad Autosomal Dominant, Autosomal Recessive and X-Linked Classification Criteria (2023). Collection method: clinical testing. Allele origin: unknown.
Comment: NM_001875.4(CPS1):c.3230delG(G1077Afs*23) is expected to be pathogenic in the context of carbamoylphosphate synthetase I deficiency. This variant is predicted to lead to an abnormal or absent protein product due to the creation of a premature termination codon in CPS1, a gene where loss-of-function variants are known to be pathogenic. Please note: this variant was assessed in the context of healthy population screening.